The following is an entry in ClinVar:

ClinVar aggregate classification (germline): Conflicting classifications of pathogenicity. Review status: criteria provided, conflicting classifications (1 of 4 stars). 5 submissions from 1 submitter: Uncertain significance (1); Benign (4). Last evaluated 2018-01-13.

Conditions:
Congenital myasthenic syndrome 16. Identifiers: Orphanet 590, MedGen C3280112, MONDO:0013620, OMIM 614198.
Hypokalemic periodic paralysis, type 2 (HOKPP2). Identifiers: Orphanet 681, MedGen C2750061, MONDO:0013234, OMIM 613345.
Paramyotonia congenita of Von Eulenburg. Also called: Paramyotonia Congenita; PARALYSIS PERIODICA PARAMYOTONICA; Eulenburg disease; Myotonia congenita intermittens; Von Eulenburg paramyotonia congenita. Identifiers: Orphanet 684, MedGen C0221055, MONDO:0008195, OMIM 168300. Disease mechanism: loss of function.
Hyperkalemic periodic paralysis. Also called: Familial hyperkalemic periodic paralysis; Gamstorp disease. Identifiers: Orphanet 682, MedGen C0238357, MONDO:0008224, OMIM 170500, HP:0007215.
Potassium-aggravated myotonia. Also called: Myotonia congenita, atypical, acetazolamide-responsive; MYOTONIA CONGENITA, ACETAZOLAMIDE-RESPONSIVE; MYOTONIA CONGENITA, ATYPICAL; SODIUM CHANNEL MUSCLE DISEASE. Identifiers: Orphanet 612, Orphanet 99734, Orphanet 99735, Orphanet 99736, MedGen C2931826, MONDO:0018959, OMIM 608390.

Allele frequency attached by ClinVar (database versions not stated): 1000 Genomes Project 30x 0.00156; gnomAD exomes 0.00494; 1000 Genomes Project 0.00160; gnomAD 0.00389 and 0.00401; TOPMed 0.00332.
gnomAD v4.1: 5,756 of 1,211,346 alleles (0.48%); highest among the groups gnomAD compares: Non-Finnish European, 0.57%; 25 homozygotes.

Submissions (5):

Illumina Laboratory Services, Illumina
Classification: Uncertain significance for Congenital myasthenic syndrome 16. Last evaluated: 2018-01-13. Review status: criteria provided, single submitter. Criteria: ICSL Variant Classification Criteria 13 December 2019. Collection method: clinical testing. Allele origin: germline.

Illumina Laboratory Services, Illumina
Classification: Benign for Hypokalemic periodic paralysis, type 2. Last evaluated: 2018-01-13. Review status: criteria provided, single submitter. Criteria: ICSL Variant Classification Criteria 13 December 2019. Collection method: clinical testing. Allele origin: germline.
Comment: This variant was observed in the ICSL laboratory as part of a predisposition screen in an ostensibly healthy population. It had not been previously curated by ICSL or reported in the Human Gene Mutation Database (HGMD: prior to June 1st, 2018), and was therefore a candidate for classification through an automated scoring system. Utilizing variant allele frequency, disease prevalence and penetrance estimates, and inheritance mode, an automated score was calculated to assess if this variant is too frequent to cause the disease. Based on the score and internal cut-off values, a variant classified as benign is not then subjected to further curation. The score for this variant resulted in a classification of benign for this disease.

Illumina Laboratory Services, Illumina
Classification: Benign for Hyperkalemic periodic paralysis. Last evaluated: 2018-01-13. Review status: criteria provided, single submitter. Criteria: ICSL Variant Classification Criteria 13 December 2019. Collection method: clinical testing. Allele origin: germline.
Comment: the same text as in the submission from Illumina Laboratory Services, Illumina above.

Illumina Laboratory Services, Illumina
Classification: Benign for Potassium-aggravated myotonia. Last evaluated: 2018-01-13. Review status: criteria provided, single submitter. Criteria: ICSL Variant Classification Criteria 13 December 2019. Collection method: clinical testing. Allele origin: germline.
Comment: the same text as in the submission from Illumina Laboratory Services, Illumina above.

Illumina Laboratory Services, Illumina
Classification: Benign for Paramyotonia congenita of Von Eulenburg. Last evaluated: 2018-01-13. Review status: criteria provided, single submitter. Criteria: ICSL Variant Classification Criteria 13 December 2019. Collection method: clinical testing. Allele origin: germline.
Comment: the same text as in the submission from Illumina Laboratory Services, Illumina above.

NM_000334.4(SCN4A):c.*129G>T

Genes: GH-LCR (growth hormone locus control region; plus strand), SCN4A (sodium voltage-gated channel alpha subunit 4; minus strand). Cytogenetic location: 17q23.3.
Variant type: single nucleotide variant.
Coding change: c.*129G>T on transcript NM_000334.4 (MANE Select); 129 bases downstream of the stop codon, G replaced by T.
Molecular consequence: 3 prime UTR variant.
Genome position (GRCh38, 1-based): chr17:63,940,642, C>A on the plus strand (G>T on the coding strand, the complement: SCN4A is on the minus strand). VCF-style: chr17-63940642-C-A. GRCh37 (hg19) VCF-style: chr17-62018002-C-A.
Identifiers: ClinVar variation 324501 (VCV000324501.5), dbSNP rs140026321, ClinGen allele CA10640206.
Genomic context (GRCh38, chr17:63,940,642, plus strand): 5'-TTCCCATGGTCTGGGAACGCAGGCGCTCGGGCCTGGGTGTCAGCCCCAGTGTGGCCAAAT[C>A]CTGTCCCCCATCAGGGAGCCAGGCACAGTCCCAGATTCAAAGCCCTCCTCCCTCACTCTG-3'